The following is an entry in ClinVar:

ClinVar aggregate classification (germline): Uncertain significance. Review status: criteria provided, multiple submitters, no conflicts (2 of 4 stars). 2 submissions from 2 submitters: Uncertain significance (2). Last evaluated 2025-12-09.

Conditions:
Cardiovascular phenotype. Identifiers: MedGen CN230736.
Catecholaminergic polymorphic ventricular tachycardia 1. Also called: VENTRICULAR TACHYCARDIA, CATECHOLAMINERGIC POLYMORPHIC, 1, WITH OR WITHOUT ATRIAL DYSFUNCTION AND/OR DILATED CARDIOMYOPATHY; VENTRICULAR TACHYCARDIA, STRESS-INDUCED POLYMORPHIC 1; RYR2-Related Catecholaminergic Polymorphic Ventricular Tachycardia. Identifiers: Orphanet 3286, MedGen C1631597, MONDO:0011484, OMIM 604772.

Allele frequency attached by ClinVar (database versions not stated): gnomAD exomes below 0.00001; TOPMed below 0.00001; gnomAD 0.00001.
gnomAD v4.1: 2 of 1,611,000 alleles (0.00012%); highest among the groups gnomAD compares: Non-Finnish European, 0.00017%; no homozygotes.

Submissions (2):

Labcorp Genetics (formerly Invitae), Labcorp
Classification: Uncertain significance for Catecholaminergic polymorphic ventricular tachycardia 1. Last evaluated: 2025-12-09. Review status: criteria provided, single submitter. Criteria: Invitae Variant Classification Sherloc (09022015). Collection method: clinical testing. Allele origin: germline.
Comment: This sequence change replaces glutamic acid, which is acidic and polar, with lysine, which is basic and polar, at codon 283 of the CASQ2 protein (p.Glu283Lys). This variant is present in population databases (no rsID available, gnomAD 0.0009%). This variant has not been reported in the literature in individuals affected with CASQ2-related conditions. ClinVar contains an entry for this variant (Variation ID: 3221469). Invitae Evidence Modeling of protein sequence and biophysical properties (such as structural, functional, and spatial information, amino acid conservation, physicochemical variation, residue mobility, and thermodynamic stability) has been performed for this missense variant. However, the output from this modeling did not meet the statistical confidence thresholds required to predict the impact of this variant on CASQ2 protein function. In summary, the available evidence is currently insufficient to determine the role of this variant in disease. Therefore, it has been classified as a Variant of Uncertain Significance.

Ambry Genetics
Classification: Uncertain significance for Cardiovascular phenotype. Last evaluated: 2023-12-04. Review status: criteria provided, single submitter. Criteria: Ambry Variant Classification Scheme 2023. Collection method: clinical testing. Allele origin: germline.
Comment: The p.E283K variant (also known as c.847G>A), located in coding exon 9 of the CASQ2 gene, results from a G to A substitution at nucleotide position 847. The glutamic acid at codon 283 is replaced by lysine, an amino acid with similar properties. This amino acid position is conserved. In addition, this alteration is predicted to be deleterious by in silico analysis. Since supporting evidence is limited at this time, the clinical significance of this alteration remains unclear.

NM_001232.4(CASQ2):c.847G>A (p.Glu283Lys)

Gene: CASQ2 (calsequestrin 2; minus strand). Cytogenetic location: 1p13.1.
Variant type: single nucleotide variant.
Coding change: c.847G>A on transcript NM_001232.4 (MANE Select); coding-DNA position 847, G replaced by A.
Protein change: p.Glu283Lys; replaces glutamic acid 283 with lysine.
Molecular consequence: missense variant.
Genome position (GRCh38, 1-based): chr1:115,705,284, C>T on the plus strand (G>A on the coding strand, the complement: CASQ2 is on the minus strand). VCF-style: chr1-115705284-C-T. GRCh37 (hg19) VCF-style: chr1-116247905-C-T.
Other names: short protein forms E283K.
Identifiers: ClinVar variation 3221469 (VCV003221469.2), dbSNP rs1156705851, ClinGen allele CA341766927.